The following is an entry in ClinVar:

NM_005236.3(ERCC4):c.2143G>T (p.Asp715Tyr)

Gene: ERCC4 (ERCC excision repair 4, endonuclease catalytic subunit; plus strand). Cytogenetic location: 16p13.12.
Variant type: single nucleotide variant.
Coding change: c.2143G>T on transcript NM_005236.3 (MANE Select); coding-DNA position 2143, G replaced by T.
Protein change: p.Asp715Tyr; replaces aspartic acid 715 with tyrosine.
Molecular consequence: missense variant.
Genome position (GRCh38, 1-based): chr16:13,947,739, G>T. VCF-style: chr16-13947739-G-T. GRCh37 (hg19) VCF-style: chr16-14041596-G-T.
Other names: short protein forms D715Y.
Identifiers: ClinVar variation 1385175 (VCV001385175.6), dbSNP rs2141619950, ClinGen allele CA394822167.

ClinVar aggregate classification (germline): Uncertain significance (1 of 4 stars; one submission).

Conditions:
Cockayne syndrome. Identifiers: Orphanet 191, MedGen C0009207, MONDO:0016006.
Xeroderma pigmentosum, group F (XPF). Also called: ERCC4-Related Xeroderma Pigmentosum; XERODERMA PIGMENTOSUM, COMPLEMENTATION GROUP F; XERODERMA PIGMENTOSUM VI; XP, GROUP F; XERODERMA PIGMENTOSUM, TYPE F; Xeroderma pigmentosum, type 6. Identifiers: MedGen C0268140, MONDO:0010215, OMIM 278760.
Fanconi anemia complementation group Q. Identifiers: Orphanet 84, MedGen C3808988, MONDO:0014108, OMIM 615272.

Submission:

Labcorp Genetics (formerly Invitae), Labcorp
Classification: Uncertain significance for Fanconi anemia complementation group Q; Xeroderma pigmentosum, group F; Cockayne syndrome. Last evaluated: 2021-10-07. Review status: criteria provided, single submitter. Criteria: Invitae Variant Classification Sherloc (09022015). Collection method: clinical testing. Allele origin: germline.
Comment: This sequence change replaces aspartic acid with tyrosine at codon 715 of the ERCC4 protein (p.Asp715Tyr). The aspartic acid residue is highly conserved and there is a large physicochemical difference between aspartic acid and tyrosine. This variant is not present in population databases (ExAC no frequency). This variant has not been reported in the literature in individuals affected with ERCC4-related conditions. Algorithms developed to predict the effect of missense changes on protein structure and function (SIFT, PolyPhen-2, Align-GVGD) all suggest that this variant is likely to be disruptive. In summary, the available evidence is currently insufficient to determine the role of this variant in disease. Therefore, it has been classified as a Variant of Uncertain Significance.